The following is an entry in ClinVar:

NM_033056.4(PCDH15):c.4738_4816del (p.Leu1580fs)

Gene: PCDH15 (protocadherin related 15; minus strand). Cytogenetic location: 10q21.1.
Variant type: Deletion.
Coding change: c.4738_4816del on transcript NM_033056.4 (MANE Plus Clinical); coding-DNA positions 4738 to 4816, 79 bases deleted.
Protein change: p.Leu1580fs; shifts the reading frame from leucine 1580.
Molecular consequence: frameshift variant. On other transcripts: intron variant (8).
Genome position (GRCh38, 1-based): chr10:53,822,910-53,822,988, 79 bases deleted. GRCh37 (hg19): chr10:55,582,670-55,582,748.
Other names: c.4367+4405_4367+4483del (NM_001354429.2, NM_001354420.2); c.4368-2758_4368-2680del (NM_001384140.1); c.4373+2148_4373+2226del (NM_001142772.2, NM_001142770.3); c.4388+2148_4388+2226del (NM_001142771.2); c.4388+4405_4388+4483del (NM_001354411.2); c.4409+2148_4409+2226del (NM_001142769.3); c.4759_4837del, p.Leu1587fs (NM_001142763.2); c.4744_4822del, p.Leu1582fs (NM_001142764.2); and 6 more; short protein forms L1540fs, L1577fs, L1580fs, L1587fs, L1511fs, L1557fs, L1558fs, L1560fs.
Identifiers: ClinVar variation 2114012 (VCV002114012.4), dbSNP rs2492394894, ClinGen allele CA2580081662.

ClinVar aggregate classification (germline): Uncertain significance (1 of 4 stars; one submission).

Submission:

Labcorp Genetics (formerly Invitae), Labcorp
Classification: Uncertain significance. Last evaluated: 2022-03-18. Review status: criteria provided, single submitter. Criteria: Invitae Variant Classification Sherloc (09022015). Collection method: clinical testing. Allele origin: germline.
Comment: This variant disrupts the C-terminus of the PCDH15 protein. Other variant(s) that disrupt this region (p.Arg1582Glyfs*3) have been observed in individuals with PCDH15-related conditions (PMID: 26166082). This suggests that this may be a clinically significant region of the protein. This variant has not been reported in the literature in individuals affected with PCDH15-related conditions. This variant is not present in population databases (gnomAD no frequency). This sequence change creates a premature translational stop signal (p.Leu1580Lysfs*28) in the PCDH15 gene. While this is not anticipated to result in nonsense mediated decay, it is expected to disrupt the last 376 amino acid(s) of the PCDH15 protein. In summary, the available evidence is currently insufficient to determine the role of this variant in disease. Therefore, it has been classified as a Variant of Uncertain Significance.

Literature cited by the submitters: PubMed 26166082.